The following is an entry in ClinVar:

NM_001100913.3(PACS2):c.1319A>C (p.Glu440Ala)

Gene: PACS2 (phosphofurin acidic cluster sorting protein 2; plus strand). Cytogenetic location: 14q32.33.
Variant type: single nucleotide variant.
Coding change: c.1319A>C on transcript NM_001100913.3 (MANE Select); coding-DNA position 1319, A replaced by C.
Protein change: p.Glu440Ala; replaces glutamic acid 440 with alanine.
Molecular consequence: missense variant.
Genome position (GRCh38, 1-based): chr14:105,381,964, A>C. VCF-style: chr14-105381964-A-C. GRCh37 (hg19) VCF-style: chr14-105848301-A-C.
Other names: c.1094A>C, p.Glu365Ala (NM_001243127.3); c.1319A>C, p.Glu440Ala (NM_015197.4); short protein forms E365A, E440A.
Identifiers: ClinVar variation 3654993 (VCV003654993.2).

ClinVar aggregate classification (germline): Uncertain significance (1 of 4 stars; one submission).

Submission:

Labcorp Genetics (formerly Invitae), Labcorp
Classification: Uncertain significance. Last evaluated: 2024-05-29. Review status: criteria provided, single submitter. Criteria: Invitae Variant Classification Sherloc (09022015). Collection method: clinical testing. Allele origin: germline.
Comment: This sequence change replaces glutamic acid, which is acidic and polar, with alanine, which is neutral and non-polar, at codon 440 of the PACS2 protein (p.Glu440Ala). This variant is not present in population databases (gnomAD no frequency). This variant has not been reported in the literature in individuals affected with PACS2-related conditions. Advanced modeling of protein sequence and biophysical properties (such as structural, functional, and spatial information, amino acid conservation, physicochemical variation, residue mobility, and thermodynamic stability) performed at Invitae indicates that this missense variant is not expected to disrupt PACS2 protein function with a negative predictive value of 80%. In summary, the available evidence is currently insufficient to determine the role of this variant in disease. Therefore, it has been classified as a Variant of Uncertain Significance.